The following is an entry in ClinVar:

ClinVar aggregate classification (germline): Uncertain significance (1 of 4 stars; one submission).

Conditions:
Hereditary breast ovarian cancer syndrome. Also called: Hereditary breast and ovarian cancer; Hereditary breast and ovarian cancer syndrome (HBOC); Breast and ovarian cancer; Hereditary breast and/or ovarian cancer syndrome; BRCA1- and BRCA2-Associated Hereditary Breast and Ovarian Cancer; Hereditary breast and ovarian cancer syndrome. Identifiers: Orphanet 145, MedGen C0677776, MeSH D061325, MONDO:0003582. Disease mechanism: loss of function.

Submissions (2):

Labcorp Genetics (formerly Invitae), Labcorp
Classification: Uncertain significance for Hereditary breast ovarian cancer syndrome. Last evaluated: 2021-12-20. Review status: criteria provided, single submitter. Criteria: Invitae Variant Classification Sherloc (09022015). Collection method: clinical testing. Allele origin: germline.
Comment: This sequence change replaces valine, which is neutral and non-polar, with alanine, which is neutral and non-polar, at codon 1741 of the BRCA1 protein (p.Val1741Ala). This variant is not present in population databases (gnomAD no frequency). This variant has not been reported in the literature in individuals affected with BRCA1-related conditions. ClinVar contains an entry for this variant (Variation ID: 868195). Advanced modeling of experimental studies (such as gene expression, population dynamics, functional pathways, and cell-cycle effects in cell culture) performed at Invitae indicates that this missense variant is not expected to disrupt BRCA1 protein function. Experimental studies are conflicting or provide insufficient evidence to determine the effect of this variant on BRCA1 function (PMID: 30209399, 30765603). In summary, the available evidence is currently insufficient to determine the role of this variant in disease. Therefore, it has been classified as a Variant of Uncertain Significance.

Brotman Baty Institute, University of Washington
No classification provided (evidence only). Condition: Breast-ovarian cancer, familial 1. Review status: no classification provided. Collection method: in vitro. Allele origin: not applicable. Functional consequence: functionally_normal. Not counted in ClinVar's aggregate classification.
ClinVar note: "not provided" was previously submitted as the classification for the variant. However, the classification appeared to be based only on an observation of functional data so it was converted to no classification on 2025-07-30.

Literature cited by the submitters: PubMed 30209399 (cited by Labcorp Genetics (formerly Invitae), Labcorp); PubMed 30765603 (cited by Labcorp Genetics (formerly Invitae), Labcorp).

NM_007294.4(BRCA1):c.5222T>C (p.Val1741Ala)

Gene: BRCA1 (BRCA1 DNA repair associated; minus strand). Cytogenetic location: 17q21.31.
Variant type: single nucleotide variant.
Coding change: c.5222T>C on transcript NM_007294.4 (MANE Select); coding-DNA position 5222, T replaced by C.
Protein change: p.Val1741Ala; replaces valine 1741 with alanine.
Molecular consequence: missense variant. On other transcripts: non-coding transcript variant (1).
Genome position (GRCh38, 1-based): chr17:43,057,107, A>G on the plus strand (T>C on the coding strand, the complement: BRCA1 is on the minus strand). VCF-style: chr17-43057107-A-G. GRCh37 (hg19) VCF-style: chr17-41209124-A-G.
Other names: c.5009T>C, p.Val1670Ala (NM_001407571.1, NM_001407900.1, NM_001407902.1 and 12 more transcripts); c.5288T>C, p.Val1763Ala (NM_001407581.1, NM_001407582.1); c.5285T>C, p.Val1762Ala (NM_001407583.1, NM_001407585.1, NM_001407587.1 and 1 more transcripts); c.5282T>C, p.Val1761Ala (NM_001407590.1, NM_001407591.1); c.5222T>C, p.Val1741Ala (NM_001407593.1, NM_001407594.1, NM_001407596.1 and 7 more transcripts); c.5219T>C, p.Val1740Ala (NM_001407610.1, NM_001407611.1, NM_001407612.1 and 17 more transcripts); c.5216T>C, p.Val1739Ala (NM_001407629.1, NM_001407630.1, NM_001407631.1 and 14 more transcripts); c.5162T>C, p.Val1721Ala (NM_001407649.1); and 72 more; short protein forms V1762A, V1694A, V1741A, V637A, V1738A, V1761A, V461A, V511A.
Identifiers: ClinVar variation 868195 (VCV000868195.8), dbSNP rs80357023, ClinGen allele CA10591098.